The following is an entry in ClinVar:

ClinVar aggregate classification (germline): Conflicting classifications of pathogenicity. Review status: criteria provided, conflicting classifications (1 of 4 stars). 5 submissions from 5 submitters: Uncertain significance (4); Likely benign (1). Last evaluated 2025-11-24.

Conditions:
Inborn genetic diseases. Identifiers: MedGen C0950123, MeSH D030342.
VCAN-related disorder. Also called: VCAN-related condition.

Allele frequency attached by ClinVar (database versions not stated): ExAC 0.00002; TOPMed 0.00005.
gnomAD v4.1: 59 of 1,613,796 alleles (0.0037%); highest among the groups gnomAD compares: Middle Eastern, 0.12%; no homozygotes.

Submissions (5):

Labcorp Genetics (formerly Invitae), Labcorp
Classification: Uncertain significance. Last evaluated: 2025-11-24. Review status: criteria provided, single submitter. Criteria: Invitae Variant Classification Sherloc (09022015). Collection method: clinical testing. Allele origin: germline.
Comment: This sequence change replaces proline, which is neutral and non-polar, with alanine, which is neutral and non-polar, at codon 2500 of the VCAN protein (p.Pro2500Ala). This variant is present in population databases (rs766300338, gnomAD 0.01%). This missense change has been observed in individual(s) with clinical features of retinitis pigmentosa (internal data). ClinVar contains an entry for this variant (Variation ID: 963154). An algorithm developed to predict the effect of missense changes on protein structure and function (PolyPhen-2) suggests that this variant is likely to be tolerated. In summary, the available evidence is currently insufficient to determine the role of this variant in disease. Therefore, it has been classified as a Variant of Uncertain Significance.

PreventionGenetics, part of Exact Sciences
Classification: Uncertain significance for VCAN-related condition. Last evaluated: 2025-05-30. Review status: criteria provided, single submitter. Criteria: ACMG Guidelines, 2015. Collection method: clinical testing. Allele origin: germline.
Comment: The VCAN c.7498C>G variant is predicted to result in the amino acid substitution p.Pro2500Ala. To our knowledge, this variant has not been reported in the literature. This variant is reported in 0.014% of alleles in individuals of Latino descent in gnomAD. At this time, the clinical significance of this variant is uncertain due to the absence of conclusive functional and genetic evidence.

Ambry Genetics
Classification: Uncertain significance for Inborn genetic diseases. Last evaluated: 2024-03-20. Review status: criteria provided, single submitter. Criteria: Ambry Variant Classification Scheme 2023. Collection method: clinical testing. Allele origin: germline.

Blueprint Genetics
Classification: Likely benign. Last evaluated: 2023-10-09. Review status: criteria provided, single submitter. Criteria: ACMG Guidelines, 2015. Collection method: clinical testing. Allele origin: germline.

Breakthrough Genomics
Classification: Uncertain significance. Review status: criteria provided, single submitter. Criteria: ACMG Guidelines, 2015. Collection method: not provided. Allele origin: germline. Inheritance: Autosomal dominant inheritance. Affected: yes.

NM_004385.5(VCAN):c.7498C>G (p.Pro2500Ala)

Genes: VCAN (versican; plus strand), VCAN-AS1 (VCAN antisense RNA 1; minus strand). Cytogenetic location: 5q14.3.
Variant type: single nucleotide variant.
Coding change: c.7498C>G on transcript NM_004385.5 (MANE Select); coding-DNA position 7498, C replaced by G.
Protein change: p.Pro2500Ala; replaces proline 2500 with alanine.
Molecular consequence: missense variant. On other transcripts: intron variant (2).
Genome position (GRCh38, 1-based): chr5:83,540,501, C>G. VCF-style: chr5-83540501-C-G. GRCh37 (hg19) VCF-style: chr5-82836320-C-G.
Other names: c.4537C>G, p.Pro1513Ala (NM_001164097.2); c.4004-5036C>G (NM_001164098.2); c.1043-5036C>G (NM_001126336.3); short protein forms P1513A, P2500A.
Identifiers: ClinVar variation 963154 (VCV000963154.11), dbSNP rs766300338, ClinGen allele CA3333651.